The following is an entry in ClinVar:

ClinVar aggregate classification (germline): Likely pathogenic (1 of 4 stars; one submission).

Conditions:
Intellectual developmental disorder with dysmorphic facies and ptosis (IDDDFP). Identifiers: Orphanet 698090, MedGen C4310617, MONDO:0015022, OMIM 617333.

Submission:

Women's Health and Genetics/Laboratory Corporation of America, LabCorp
Classification: Likely pathogenic for Intellectual developmental disorder with dysmorphic facies and ptosis. Last evaluated: 2022-02-22. Review status: criteria provided, single submitter. Criteria: LabCorp Variant Classification Summary - May 2015. Collection method: clinical testing. Allele origin: germline.
Comment: Variant summary: BRPF1 c.1038delG (p.Arg347AlafsX22) results in a premature termination codon, predicted to cause a truncation of the encoded protein or absence of the protein due to nonsense mediated decay, which are commonly known mechanisms for disease. Truncations downstream of this position are associated with intellectual disability in HGMD. The variant was absent in 250908 control chromosomes (gnomAD). To our knowledge, no occurrence of c.1038delG in individuals affected with Intellectual Developmental Disorder With Dysmorphic Facies And Ptosis and no experimental evidence demonstrating its impact on protein function have been reported. No clinical diagnostic laboratories have submitted clinical-significance assessments for this variant to ClinVar after 2014. Based on the evidence outlined above, the variant was classified as likely pathogenic.

NM_001003694.2(BRPF1):c.1038del (p.Arg347fs)

Gene: BRPF1 (bromodomain and PHD finger containing 1; plus strand). Cytogenetic location: 3p25.3.
Variant type: Deletion.
Coding change: c.1038del on transcript NM_001003694.2 (MANE Select); coding-DNA position 1038, one base deleted (G; older notation c.1038delG).
Protein change: p.Arg347fs; shifts the reading frame from arginine 347.
Molecular consequence: frameshift variant. On other transcripts: non-coding transcript variant (1).
Genome position (GRCh38, 1-based): chr3:9,739,437, G deleted; the last of 3 consecutive G bases (chr3:9,739,435-9,739,437); deleting any one gives the same sequence. VCF-style (leftmost placement, unchanged base first): chr3-9739434-CG-C. GRCh37 (hg19) VCF-style: chr3-9781118-CG-C.
Other names: c.1038del, p.Arg347fs (NM_001319049.2, NM_001319050.2, NM_004634.3); short protein forms R347fs.
Identifiers: ClinVar variation 1343509 (VCV001343509.1), dbSNP rs2125500625, ClinGen allele CA2573052262.